The following is an entry in ClinVar:

NM_001002255.2(SUMO4):c.1A>G (p.Met1Val)

Genes: SUMO4 (small ubiquitin like modifier 4; plus strand), TAB2 (TGF-beta activated kinase 1 (MAP3K7) binding protein 2; plus strand). Cytogenetic location: 6q25.1.
Variant type: single nucleotide variant.
Coding change: c.1A>G on transcript NM_001002255.2 (MANE Select); coding-DNA position 1, A replaced by G.
Protein change: p.Met1Val; changes the start codon (methionine 1).
Molecular consequence: missense variant, initiator codon variant. On other transcripts: intron variant (4).
Genome position (GRCh38, 1-based): chr6:149,400,392, A>G. VCF-style: chr6-149400392-A-G. GRCh37 (hg19) VCF-style: chr6-149721528-A-G.
Other names: c.1843+1208A>G (NM_001292035.3); c.1939+1208A>G (NM_001369506.1, NM_001292034.3, NM_015093.6); short protein forms M1V.
Identifiers: ClinVar variation 1700889 (VCV001700889.7), dbSNP rs78701690, ClinGen allele CA4041696.
Genomic context (GRCh38, chr6:149,400,392, plus strand): 5'-TAGGTGCGGACCCGCCACCTCTTTTGTGAAGCAGCAGCTGAGGAGACTCCGGTGTTCACC[A>G]TGGCCAACGAAAAGCCCACAGAAGAAGTCAAGACTGAGAACAACAATCATATTAATTTGA-3'
Protein context (NP_001002255.1, residues 1-11): [Met1Val]ANEKPTEEVK

ClinVar aggregate classification (germline): Likely benign. Review status: criteria provided, multiple submitters, no conflicts (2 of 4 stars). 2 submissions from 2 submitters: Likely benign (2). Last evaluated 2026-01-01.

Allele frequency attached by ClinVar (database versions not stated): TOPMed 0.00417; 1000 Genomes Project 0.00599; 1000 Genomes Project 30x 0.00718; gnomAD exomes 0.00038 and 0.00111; ExAC 0.00135; gnomAD 0.00344 and 0.00358; ESP Exome Variant Server 0.00377.
gnomAD v4.1: 1,120 of 1,613,946 alleles (0.069%); highest among the groups gnomAD compares: African/African-American, 1.1%; 13 homozygotes.

Submissions (2):

CeGaT Center for Human Genetics Tuebingen
Classification: Likely benign. Last evaluated: 2026-01-01. Review status: criteria provided, single submitter. Criteria: CeGaT Center For Human Genetics Tuebingen Variant Classification Criteria Version 2. Collection method: clinical testing. Allele origin: germline. Affected: yes. Observed: 1 variant allele.
Comment: SUMO4: BS1

GeneDx
Classification: Likely benign. Last evaluated: 2022-02-15. Review status: criteria provided, single submitter. Criteria: GeneDx Variant Classification Process June 2021. Collection method: clinical testing. Allele origin: germline. Affected: yes.
Comment: See Variant Classification Assertion Criteria.